The following is an entry in ClinVar:

ClinVar aggregate classification (germline): Pathogenic (1 of 4 stars; one submission).

Conditions:
Neurofibromatosis, type 1 (NF1). Also called: Peripheral type neurofibromatosis; VON RECKLINGHAUSEN DISEASE; Neurofibromatosis, type I; NEUROFIBROMATOSIS, TYPE I, SOMATIC. Identifiers: Orphanet 636, MedGen C0027831, MONDO:0018975, OMIM 162200. Disease mechanism: loss of function.

Submission:

Labcorp Genetics (formerly Invitae), Labcorp
Classification: Pathogenic for Neurofibromatosis, type 1. Last evaluated: 2026-01-22. Review status: criteria provided, single submitter. Criteria: Invitae Variant Classification Sherloc (09022015). Collection method: clinical testing. Allele origin: germline.
Comment: This sequence change affects a donor splice site in intron 22 of the NF1 gene. It is expected to disrupt RNA splicing. Variants that disrupt the donor or acceptor splice site typically lead to a loss of protein function (PMID: 16199547), and loss-of-function variants in NF1 are known to be pathogenic (PMID: 10712197, 23913538). This variant is not present in population databases (gnomAD no frequency). Disruption of this splice site has been observed in individual(s) with neurofibromatosis type 1 (PMID: 31730495). Algorithms developed to predict the effect of sequence changes on RNA splicing suggest that this variant may disrupt the consensus splice site. For these reasons, this variant has been classified as Pathogenic.

Literature cited by the submitters: PubMed 16199547; PubMed 10712197; PubMed 23913538; PubMed 31730495.

NM_001042492.3(NF1):c.2990+2T>A

Gene: NF1 (neurofibromin 1; plus strand). Cytogenetic location: 17q11.2.
Variant type: single nucleotide variant.
Coding change: c.2990+2T>A on transcript NM_001042492.3 (MANE Select); the canonical splice donor site of the intron after coding-DNA position 2990, T replaced by A.
Molecular consequence: splice donor variant.
Genome position (GRCh38, 1-based): chr17:31,229,976, T>A. VCF-style: chr17-31229976-T-A. GRCh37 (hg19) VCF-style: chr17-29556994-T-A.
Other names: c.2990+2T>A (NM_000267.4).
Identifiers: ClinVar variation 4695141 (VCV004695141.1).